The following is an entry in ClinVar:

ClinVar aggregate classification (germline): Likely benign (1 of 4 stars; one submission).

Conditions:
Growth delay due to insulin-like growth factor I resistance. Also called: Somatomedin end-organ insensitivity to; Somatomedin-c resistance to; IGF-1 resistance; IGF-I RESISTANCE; Insulin-Like Growth Factor I Resistance. Identifiers: Orphanet 73273, MedGen C1849157, MONDO:0010038, OMIM 270450.

Allele frequency attached by ClinVar (database versions not stated): 1000 Genomes Project 30x 0.00062; 1000 Genomes Project 0.00080; TOPMed 0.00127.
gnomAD v4.1: 313 of 233,352 alleles (0.13%); highest among the groups gnomAD compares: Non-Finnish European, 0.21%; no homozygotes.

Submission:

Illumina Laboratory Services, Illumina
Classification: Likely benign for Growth delay due to insulin-like growth factor I resistance. Last evaluated: 2018-01-13. Review status: criteria provided, single submitter. Criteria: ICSL Variant Classification Criteria 13 December 2019. Collection method: clinical testing. Allele origin: germline.
Comment: This variant was observed in the ICSL laboratory as part of a predisposition screen in an ostensibly healthy population. It had not been previously curated by ICSL or reported in the Human Gene Mutation Database (HGMD: prior to June 1st, 2018), and was therefore a candidate for classification through an automated scoring system. Utilizing variant allele frequency, disease prevalence and penetrance estimates, and inheritance mode, an automated score was calculated to assess if this variant is too frequent to cause the disease. Based on the score and internal cut-off values, a variant classified as likely benign is not then subjected to further curation. The score for this variant resulted in a classification of likely benign for this disease.

NM_000875.5(IGF1R):c.*4466G>C

Gene: IGF1R (insulin like growth factor 1 receptor; plus strand). Cytogenetic location: 15q26.3.
Variant type: single nucleotide variant.
Coding change: c.*4466G>C on transcript NM_000875.5 (MANE Select); 4466 bases downstream of the stop codon, G replaced by C.
Molecular consequence: 3 prime UTR variant.
Genome position (GRCh38, 1-based): chr15:98,961,908, G>C. VCF-style: chr15-98961908-G-C. GRCh37 (hg19) VCF-style: chr15-99505137-G-C.
Other names: c.*4466G>C (NM_001291858.2).
Identifiers: ClinVar variation 317581 (VCV000317581.5), dbSNP rs184311472, ClinGen allele CA10646778.